The following is an entry in ClinVar:

NM_001283009.2(RTEL1):c.2701G>A (p.Val901Met)

Genes: RTEL1 (regulator of telomere elongation helicase 1; plus strand), RTEL1-TNFRSF6B (RTEL1-TNFRSF6B readthrough (NMD candidate); plus strand). Cytogenetic location: 20q13.33.
Variant type: single nucleotide variant.
Coding change: c.2701G>A on transcript NM_001283009.2 (MANE Select); coding-DNA position 2701, G replaced by A.
Protein change: p.Val901Met; replaces valine 901 with methionine.
Molecular consequence: missense variant. On other transcripts: non-coding transcript variant (1).
Genome position (GRCh38, 1-based): chr20:63,692,853, G>A. VCF-style: chr20-63692853-G-A. GRCh37 (hg19) VCF-style: chr20-62324206-G-A.
Other names: c.2032G>A, p.Val678Met (NM_001283010.1); c.2701G>A, p.Val901Met (NM_016434.4); c.2773G>A, p.Val925Met (NM_032957.5); short protein forms V901M, V678M, V925M.
Identifiers: ClinVar variation 4157601 (VCV004157601.1).

ClinVar aggregate classification (germline): Uncertain significance (1 of 4 stars; one submission).

Conditions:
Inborn genetic diseases. Identifiers: MedGen C0950123, MeSH D030342.

Submission:

Ambry Genetics
Classification: Uncertain significance for Inborn genetic diseases. Last evaluated: 2025-07-12. Review status: criteria provided, single submitter. Criteria: Ambry Variant Classification Scheme 2023. Collection method: clinical testing. Allele origin: germline.
Comment: The p.V901M variant (also known as c.2701G>A), located in coding exon 28 of the RTEL1 gene, results from a G to A substitution at nucleotide position 2701. The valine at codon 901 is replaced by methionine, an amino acid with highly similar properties. This amino acid position is conserved. In addition, this alteration is predicted to be tolerated by in silico analysis. Based on the available evidence, the clinical significance of this variant remains unclear.